The following is an entry in ClinVar:

ClinVar aggregate classification (germline): Uncertain significance (1 of 4 stars; one submission).

Allele frequency attached by ClinVar (database versions not stated): gnomAD exomes below 0.00001.
gnomAD v4.1: 1 of 1,614,116 alleles (0.000062%); highest among the groups gnomAD compares: Non-Finnish European, 0.000085%; no homozygotes.

Submission:

Labcorp Genetics (formerly Invitae), Labcorp
Classification: Uncertain significance. Last evaluated: 2022-05-25. Review status: criteria provided, single submitter. Criteria: Invitae Variant Classification Sherloc (09022015). Collection method: clinical testing. Allele origin: germline.
Comment: In summary, the available evidence is currently insufficient to determine the role of this variant in disease. Therefore, it has been classified as a Variant of Uncertain Significance. Algorithms developed to predict the effect of missense changes on protein structure and function are either unavailable or do not agree on the potential impact of this missense change (SIFT: "Not Available"; PolyPhen-2: "Probably Damaging"; Align-GVGD: "Not Available"). This variant has not been reported in the literature in individuals affected with ANK3-related conditions. This variant is not present in population databases (gnomAD no frequency). This sequence change replaces glutamic acid, which is acidic and polar, with lysine, which is basic and polar, at codon 1986 of the ANK3 protein (p.Glu1986Lys).

NM_020987.5(ANK3):c.5956G>A (p.Glu1986Lys)

Gene: ANK3 (ankyrin 3; minus strand). Cytogenetic location: 10q21.2.
Variant type: single nucleotide variant.
Coding change: c.5956G>A on transcript NM_020987.5 (MANE Select); coding-DNA position 5956, G replaced by A.
Protein change: p.Glu1986Lys; replaces glutamic acid 1986 with lysine.
Molecular consequence: missense variant. On other transcripts: intron variant (4).
Genome position (GRCh38, 1-based): chr10:60,074,925, C>T on the plus strand (G>A on the coding strand, the complement: ANK3 is on the minus strand). VCF-style: chr10-60074925-C-T. GRCh37 (hg19) VCF-style: chr10-61834683-C-T.
Other names: c.4387+5612G>A (NM_001204403.2); c.4408+5612G>A (NM_001204404.2); c.4405+5612G>A (NM_001320874.2); c.1807+5612G>A (NM_001149.4); short protein forms E1986K.
Identifiers: ClinVar variation 1998697 (VCV001998697.4), dbSNP rs2492566670, ClinGen allele CA377014426.
Genomic context (GRCh38, chr10:60,074,925, plus strand): 5'-CAGCAGCTTGTTGTCTGGCTTCCCGGATTTCTTCCGAACTAAATTCTATCCAGTCATCTT[C>T]AGGAGAGTGTCCTTTGTCACTCTTTGGTGATTTGGGTGATCCTTTATTATCTACACATAC-3'
Protein context (NP_066267.2, residues 1976-1996): SPKSDKGHSP[Glu1986Lys]DDWIEFSSEE